The following is an entry in ClinVar:

NM_004817.4(TJP2):c.698G>A (p.Arg233Gln)

Gene: TJP2 (tight junction protein 2; plus strand). Cytogenetic location: 9q21.11.
Variant type: single nucleotide variant.
Coding change: c.698G>A on transcript NM_004817.4 (MANE Select); coding-DNA position 698, G replaced by A.
Protein change: p.Arg233Gln; replaces arginine 233 with glutamine.
Molecular consequence: missense variant.
Genome position (GRCh38, 1-based): chr9:69,221,242, G>A. VCF-style: chr9-69221242-G-A. GRCh37 (hg19) VCF-style: chr9-71836158-G-A.
Other names: c.629G>A, p.Arg210Gln (NM_001170414.2, NM_001369870.1, NM_001369871.1); c.710G>A, p.Arg237Gln (NM_001170415.1, NM_001369874.1, NM_001369875.1); c.791G>A, p.Arg264Gln (NM_001170416.2); c.698G>A, p.Arg233Gln (NM_001369872.1, NM_001369873.1, NM_201629.3); short protein forms R210Q, R233Q, R237Q, R264Q.
Identifiers: ClinVar variation 165406 (VCV000165406.21), dbSNP rs150883816, ClinGen allele CA178164.

ClinVar aggregate classification (germline): Conflicting classifications of pathogenicity. Review status: criteria provided, conflicting classifications (1 of 4 stars). 7 submissions from 7 submitters: Uncertain significance (1); Benign (2); Likely benign (4). Last evaluated 2025-11-23.

Conditions:
Inborn genetic diseases. Identifiers: MedGen C0950123, MeSH D030342.

Allele frequency attached by ClinVar (database versions not stated): gnomAD exomes 0.00046; ExAC 0.00076; 1000 Genomes Project 30x 0.00187; gnomAD 0.00192 and 0.00211; ESP Exome Variant Server 0.00193; TOPMed 0.00200; 1000 Genomes Project 0.00220.
gnomAD v4.1: 550 of 1,607,412 alleles (0.034%); highest among the groups gnomAD compares: African/African-American, 0.65%; 2 homozygotes.

Submissions (7):

Labcorp Genetics (formerly Invitae), Labcorp
Classification: Benign. Last evaluated: 2025-11-23. Review status: criteria provided, single submitter. Criteria: Invitae Variant Classification Sherloc (09022015). Collection method: clinical testing. Allele origin: germline.

Ambry Genetics
Classification: Uncertain significance for Inborn genetic diseases. Last evaluated: 2025-09-29. Review status: criteria provided, single submitter. Criteria: Ambry Variant Classification Scheme 2023. Collection method: clinical testing. Allele origin: germline.

Blueprint Genetics
Classification: Likely benign. Last evaluated: 2024-10-02. Review status: criteria provided, single submitter. Criteria: ACMG Guidelines, 2015. Collection method: clinical testing. Allele origin: germline.

GeneDx
Classification: Likely benign. Last evaluated: 2020-12-15. Review status: criteria provided, single submitter. Criteria: GeneDx Variant Classification Process June 2021. Collection method: clinical testing. Allele origin: germline. Affected: yes.

Eurofins Ntd Llc (ga)
Classification: Benign. Last evaluated: 2016-05-31. Review status: criteria provided, single submitter. Criteria: EGL Classification Definitions 2015. Collection method: clinical testing. Allele origin: germline. Observed: 1 variant allele, 1 heterozygote.

Laboratory for Molecular Medicine, Mass General Brigham Personalized Medicine
Classification: Likely benign. Last evaluated: 2012-04-30. Review status: criteria provided, single submitter. Criteria: LMM Criteria. Collection method: clinical testing. Allele origin: germline. Observed: 1 variant allele.
Comment: Arg210Gln in Exon 06 of TJP2: This variant is not expected to have clinical sign ificance because it has been identified in 0.4% (15/3710) of African American ch romosomes from a broad population by the NHLBI Exome Sequencing Project (dbSNP rs150883816).

Breakthrough Genomics
Classification: Likely benign. Review status: criteria provided, single submitter. Criteria: ACMG Guidelines, 2015. Collection method: not provided. Allele origin: germline. Inheritance: Autosomal recessive inheritance. Affected: yes.